The following is an entry in ClinVar:

ClinVar aggregate classification (germline): Pathogenic (1 of 4 stars; one submission).

Conditions:
Congenital microcephaly - severe encephalopathy - progressive cerebral atrophy syndrome. Also called: ASNS DEFICIENCY; Asparagine synthetase deficiency. Identifiers: Orphanet 391376, MedGen C3809971, MONDO:0014258, OMIM 615574.

Submission:

Myriad Genetics, Inc.
Classification: Pathogenic for Congenital microcephaly - severe encephalopathy - progressive cerebral atrophy syndrome. Last evaluated: 2026-04-22. Review status: criteria provided, single submitter. Criteria: Myriad Autosomal Dominant, Autosomal Recessive and X-Linked Classification Criteria (2023). Collection method: clinical testing. Allele origin: unknown.
Comment: NM_001673.4(ASNS):c.81_82delAG(G28Sfs*7) is a frameshift variant classified as pathogenic in the context of asparagine synthetase deficiency. G28Sfs*7 has not been observed in cases with relevant disease. Relevant functional assessments of this variant are not available in the literature. G28Sfs*7 has not been observed in referenced population frequency databases. In summary, NM_001673.4(ASNS):c.81_82delAG(G28Sfs*7) is a frameshift variant in a gene where loss of function is a known mechanism of disease and is predicted to disrupt protein function. Please note: this variant was assessed in the context of healthy population screening.

NM_001673.5(ASNS):c.81_82del (p.Gly28fs)

Genes: ASNS (asparagine synthetase (glutamine-hydrolyzing); minus strand), CZ1P-ASNS (CZ1P-ASNS readthrough; minus strand). Cytogenetic location: 7q21.3.
Variant type: Microsatellite.
Coding change: c.81_82del on transcript NM_001673.5 (MANE Select); coding-DNA positions 81 to 82, 2 bases deleted (AG; older notation c.81_82delAG).
Protein change: p.Gly28fs; shifts the reading frame from glycine 28.
Molecular consequence: frameshift variant. On other transcripts: non-coding transcript variant (1), intron variant (2).
Genome position (GRCh38, 1-based): chr7:97,869,075-97,869,076, CT deleted on the plus strand (AG on the coding strand, the reverse complement: ASNS is on the minus strand); deleting any 2 consecutive bases within chr7:97,869,075-97,869,078 gives the same sequence; the c. name uses the placement nearest the transcript's 3' end. VCF-style (leftmost placement, unchanged base first): chr7-97869074-CCT-C. GRCh37 (hg19) VCF-style: chr7-97498386-CCT-C.
Other names: c.18_19del, p.Gly7fs (NM_001178075.2); c.81_82del, p.Gly28fs (NM_001352496.2, NM_133436.3, NM_183356.4); c.-1+3275_-1+3276del (NM_001178076.2); c.-1+2965_-1+2966del (NM_001178077.1); short protein forms G28fs, G7fs.
Identifiers: ClinVar variation 5003648 (VCV005003648.1).